The following is an entry in ClinVar:

NM_000352.6(ABCC8):c.797T>C (p.Leu266Pro)

Gene: ABCC8 (ATP binding cassette subfamily C member 8; minus strand). Cytogenetic location: 11p15.1.
Variant type: single nucleotide variant.
Coding change: c.797T>C on transcript NM_000352.6 (MANE Select); coding-DNA position 797, T replaced by C.
Protein change: p.Leu266Pro; replaces leucine 266 with proline.
Molecular consequence: missense variant. On other transcripts: non-coding transcript variant (1).
Genome position (GRCh38, 1-based): chr11:17,461,608, A>G on the plus strand (T>C on the coding strand, the complement: ABCC8 is on the minus strand). VCF-style: chr11-17461608-A-G. GRCh37 (hg19) VCF-style: chr11-17483155-A-G.
Other names: c.797T>C, p.Leu266Pro (NM_001287174.3, NM_001351295.2, NM_001351296.2 and 1 more transcripts); short protein forms L266P.
Identifiers: ClinVar variation 2855628 (VCV002855628.3), dbSNP rs2496852268, ClinGen allele CA379778164.

ClinVar aggregate classification (germline): Uncertain significance (1 of 4 stars; one submission).

Submission:

Labcorp Genetics (formerly Invitae), Labcorp
Classification: Uncertain significance. Last evaluated: 2023-05-10. Review status: criteria provided, single submitter. Criteria: Invitae Variant Classification Sherloc (09022015). Collection method: clinical testing. Allele origin: germline.
Comment: This variant is not present in population databases (gnomAD no frequency). In summary, the available evidence is currently insufficient to determine the role of this variant in disease. Therefore, it has been classified as a Variant of Uncertain Significance. Advanced modeling of protein sequence and biophysical properties (such as structural, functional, and spatial information, amino acid conservation, physicochemical variation, residue mobility, and thermodynamic stability) performed at Invitae indicates that this missense variant is expected to disrupt ABCC8 protein function. This variant has not been reported in the literature in individuals affected with ABCC8-related conditions. This sequence change replaces leucine, which is neutral and non-polar, with proline, which is neutral and non-polar, at codon 266 of the ABCC8 protein (p.Leu266Pro).